The following is an entry in ClinVar:

NM_024675.4(PALB2):c.851del (p.Thr284fs)

Gene: PALB2 (partner and localizer of BRCA2; minus strand). Cytogenetic location: 16p12.2.
Variant type: Deletion.
Coding change: c.851del on transcript NM_024675.4 (MANE Select); coding-DNA position 851, one base deleted (C; older notation c.851delC).
Protein change: p.Thr284fs; shifts the reading frame from threonine 284.
Molecular consequence: frameshift variant. On other transcripts: 5 prime UTR variant (8), intron variant (3).
Genome position (GRCh38, 1-based): chr16:23,635,695, G deleted on the plus strand (C on the coding strand, the reverse complement: PALB2 is on the minus strand). VCF-style (leftmost placement, unchanged base first): chr16-23635694-AG-A. GRCh37 (hg19) VCF-style: chr16-23647015-AG-A.
Other names: c.-35del (NM_001407305.1, NM_001407306.1, NM_001407307.1 and 5 more transcripts); c.48+5415del (NM_001407314.1); c.-104-5226del (NM_001407313.1, NM_001407312.1); c.791del, p.Thr264fs (NM_001407296.1); c.851del, p.Thr284fs (NM_001407297.1, NM_001407298.1, NM_001407299.1 and 3 more transcripts); short protein forms T264fs, T284fs.
Identifiers: ClinVar variation 5019949 (VCV005019949.2).

ClinVar aggregate classification (germline): Pathogenic (1 of 4 stars; one submission).

Conditions:
Breast-ovarian cancer, familial, susceptibility to, 5 (BROVCA5). Identifiers: MedGen C5830615, MONDO:0957530, OMIM 620442.

Submission:

Juno Genomics, Hangzhou Juno Genomics, Inc
Classification: Pathogenic for Breast-ovarian cancer, familial, susceptibility to, 5. Review status: criteria provided, single submitter. Criteria: ACMG Guidelines, 2015. Collection method: clinical testing. Allele origin: germline.
Comment: Absent from controls (or at extremely low frequency if recessive) in Genome Aggregation Database.;Null variant in a gene where loss of function (LOF) is a known mechanism of disease.;Novel missense change at an amino acid residue where a different missense change determined to be pathogenic has been seen before.